The following is an entry in ClinVar:

ClinVar aggregate classification (germline): Conflicting classifications of pathogenicity. Review status: criteria provided, conflicting classifications (1 of 4 stars). 2 submissions from 2 submitters: Uncertain significance (1); Likely benign (1). Last evaluated 2026-05-20.

Conditions:
Inborn genetic diseases. Identifiers: MedGen C0950123, MeSH D030342.

gnomAD v4.1: 2 of 1,614,166 alleles (0.00012%); highest among the groups gnomAD compares: South Asian, 0.0011%; no homozygotes.

Submissions (2):

Ambry Genetics
Classification: Likely benign for Inborn genetic diseases. Last evaluated: 2026-05-20. Review status: criteria provided, single submitter. Criteria: Ambry Variant Classification Scheme 2023. Collection method: clinical testing. Allele origin: germline.

Labcorp Genetics (formerly Invitae), Labcorp
Classification: Uncertain significance. Last evaluated: 2025-09-08. Review status: criteria provided, single submitter. Criteria: Invitae Variant Classification Sherloc (09022015). Collection method: clinical testing. Allele origin: germline.
Comment: This sequence change replaces serine, which is neutral and polar, with asparagine, which is neutral and polar, at codon 1084 of the ASXL1 protein (p.Ser1084Asn). This variant is not present in population databases (gnomAD no frequency). This variant has not been reported in the literature in individuals affected with ASXL1-related conditions. An algorithm developed to predict the effect of missense changes on protein structure and function outputs the following: PolyPhen-2: "Benign". The asparagine amino acid residue is found in multiple mammalian species, which suggests that this missense change does not adversely affect protein function. In summary, the available evidence is currently insufficient to determine the role of this variant in disease. Therefore, it has been classified as a Variant of Uncertain Significance.

NM_015338.6(ASXL1):c.3251G>A (p.Ser1084Asn)

Gene: ASXL1 (ASXL transcriptional regulator 1; plus strand). Cytogenetic location: 20q11.21.
Variant type: single nucleotide variant.
Coding change: c.3251G>A on transcript NM_015338.6 (MANE Select); coding-DNA position 3251, G replaced by A.
Protein change: p.Ser1084Asn; replaces serine 1084 with asparagine.
Molecular consequence: missense variant.
Genome position (GRCh38, 1-based): chr20:32,435,963, G>A. VCF-style: chr20-32435963-G-A. GRCh37 (hg19) VCF-style: chr20-31023766-G-A.
Other names: c.3068G>A, p.Ser1023Asn (NM_001363734.1); short protein forms S1023N, S1084N.
Identifiers: ClinVar variation 4769858 (VCV004769858.2).